The following is an entry in ClinVar:

NM_001042492.3(NF1):c.2411del (p.Ala804fs)

Gene: NF1 (neurofibromin 1; plus strand). Cytogenetic location: 17q11.2.
Variant type: Deletion.
Coding change: c.2411del on transcript NM_001042492.3 (MANE Select); coding-DNA position 2411, one base deleted (C; older notation c.2411delC).
Protein change: p.Ala804fs; shifts the reading frame from alanine 804.
Molecular consequence: frameshift variant.
Genome position (GRCh38, 1-based): chr17:31,229,026, C deleted. VCF-style (leftmost placement, unchanged base first): chr17-31229025-GC-G. GRCh37 (hg19) VCF-style: chr17-29556043-GC-G.
Other names: c.2411delC (NM_000267.3); c.2411delC, p.Ala804Valfs (NM_000267.4); short protein forms A804fs.
Identifiers: ClinVar variation 457584 (VCV000457584.5), dbSNP rs1555614180, ClinGen allele CA658656616.
Genomic context (GRCh38, chr17:31,229,025, plus strand): 5'-TTGTCAAGTCTCAACTAATTAAGGTTTAATTCATGCTTTGCACAAAAATTTTGTGTTTAG[GC>G]TGCTGAAAGCCTTCACAAGACCATTGTTAAGAGGCGAATGTCCCATGTGAGTGGAGGAGG-3'

ClinVar aggregate classification (germline): Pathogenic (1 of 4 stars; one submission).

Conditions:
Neurofibromatosis, type 1 (NF1). Also called: VON RECKLINGHAUSEN DISEASE; NEUROFIBROMATOSIS, TYPE I, SOMATIC; Peripheral type neurofibromatosis; Neurofibromatosis, type I. Identifiers: Orphanet 636, MedGen C0027831, MONDO:0018975, OMIM 162200. Disease mechanism: loss of function.

Submission:

Labcorp Genetics (formerly Invitae), Labcorp
Classification: Pathogenic for Neurofibromatosis, type 1. Last evaluated: 2017-04-25. Review status: criteria provided, single submitter. Criteria: Invitae Variant Classification Sherloc (09022015). Collection method: clinical testing. Allele origin: germline.
Comment: This sequence change deletes 1 nucleotide from exon 21 of the NF1 mRNA (c.2411delC), causing a frameshift at codon 804. This creates a premature translational stop signal (p.Ala804Valfs*17) and is expected to result in an absent or disrupted protein product. While this particular variant has not been reported in the literature, loss-of-function variants in NF1 are known to be pathogenic (PMID: 10712197, 23913538). For these reasons, this variant has been classified as Pathogenic.

Literature cited by the submitters: PubMed 10712197; PubMed 23913538.